The following is an entry in ClinVar:

ClinVar aggregate classification (germline): Uncertain significance. Review status: criteria provided, multiple submitters, no conflicts (2 of 4 stars). 2 submissions from 2 submitters: Uncertain significance (2). Last evaluated 2025-12-03.

Conditions:
Inborn genetic diseases. Identifiers: MedGen C0950123, MeSH D030342.

gnomAD v4.1: 33 of 1,613,990 alleles (0.002%); highest among the groups gnomAD compares: East Asian, 0.029%; no homozygotes.

Submissions (2):

Labcorp Genetics (formerly Invitae), Labcorp
Classification: Uncertain significance. Last evaluated: 2025-12-03. Review status: criteria provided, single submitter. Criteria: Invitae Variant Classification Sherloc (09022015). Collection method: clinical testing. Allele origin: germline.
Comment: This sequence change replaces glutamic acid, which is acidic and polar, with lysine, which is basic and polar, at codon 353 of the SLC9A3R1 protein (p.Glu353Lys). This variant is present in population databases (rs144091666, gnomAD 0.03%). This variant has not been reported in the literature in individuals affected with SLC9A3R1-related conditions. ClinVar contains an entry for this variant (Variation ID: 3919489). An algorithm developed to predict the effect of missense changes on protein structure and function (PolyPhen-2) suggests that this variant is likely to be disruptive. In summary, the available evidence is currently insufficient to determine the role of this variant in disease. Therefore, it has been classified as a Variant of Uncertain Significance.

Ambry Genetics
Classification: Uncertain significance for Inborn genetic diseases. Last evaluated: 2025-06-10. Review status: criteria provided, single submitter. Criteria: Ambry Variant Classification Scheme 2023. Collection method: clinical testing. Allele origin: germline.

NM_004252.5(NHERF1):c.1057G>A (p.Glu353Lys)

Gene: NHERF1 (NHERF family PDZ scaffold protein 1; plus strand). Cytogenetic location: 17q25.1.
Variant type: single nucleotide variant.
Coding change: c.1057G>A on transcript NM_004252.5 (MANE Select); coding-DNA position 1057, G replaced by A.
Protein change: p.Glu353Lys; replaces glutamic acid 353 with lysine.
Molecular consequence: missense variant.
Genome position (GRCh38, 1-based): chr17:74,768,636, G>A. VCF-style: chr17-74768636-G-A. GRCh37 (hg19) VCF-style: chr17-72764775-G-A.
Other names: short protein forms E353K.
Identifiers: ClinVar variation 3919489 (VCV003919489.2).